The following is an entry in ClinVar:

ClinVar aggregate classification (germline): Uncertain significance (1 of 4 stars; one submission).

Conditions:
Glycogen storage disease, type VI (GSD6). Also called: HERS DISEASE; PHOSPHORYLASE DEFICIENCY GLYCOGEN-STORAGE DISEASE OF LIVER; Glycogen storage disease type 6; Hepatic glycogen phosphorylase deficiency; Glycogen storage disease type 6, due to phosphorylation; GSD VI. Identifiers: Orphanet 369, MedGen C0017925, MONDO:0009294, OMIM 232700.

Allele frequency attached by ClinVar (database versions not stated): ExAC 0.00001; gnomAD exomes 0.00001 and 0.00002; gnomAD 0.00002; TOPMed 0.00003.
gnomAD v4.1: 29 of 1,584,794 alleles (0.0018%); highest among the groups gnomAD compares: Non-Finnish European, 0.0023%; no homozygotes.

Submission:

Labcorp Genetics (formerly Invitae), Labcorp
Classification: Uncertain significance for Glycogen storage disease, type VI. Last evaluated: 2025-01-15. Review status: criteria provided, single submitter. Criteria: Invitae Variant Classification Sherloc (09022015). Collection method: clinical testing. Allele origin: germline.
Comment: This sequence change replaces alanine, which is neutral and non-polar, with valine, which is neutral and non-polar, at codon 735 of the PYGL protein (p.Ala735Val). This variant is present in population databases (rs767910015, gnomAD 0.003%). This variant has not been reported in the literature in individuals affected with PYGL-related conditions. ClinVar contains an entry for this variant (Variation ID: 1350039). Invitae Evidence Modeling of protein sequence and biophysical properties (such as structural, functional, and spatial information, amino acid conservation, physicochemical variation, residue mobility, and thermodynamic stability) indicates that this missense variant is not expected to disrupt PYGL protein function with a negative predictive value of 80%. In summary, the available evidence is currently insufficient to determine the role of this variant in disease. Therefore, it has been classified as a Variant of Uncertain Significance.

NM_002863.5(PYGL):c.2204C>T (p.Ala735Val)

Gene: PYGL (glycogen phosphorylase L; minus strand). Cytogenetic location: 14q22.1.
Variant type: single nucleotide variant.
Coding change: c.2204C>T on transcript NM_002863.5 (MANE Select); coding-DNA position 2204, C replaced by T.
Protein change: p.Ala735Val; replaces alanine 735 with valine.
Molecular consequence: missense variant.
Genome position (GRCh38, 1-based): chr14:50,908,929, G>A on the plus strand (C>T on the coding strand, the complement: PYGL is on the minus strand). VCF-style: chr14-50908929-G-A. GRCh37 (hg19) VCF-style: chr14-51375647-G-A.
Other names: c.2102C>T, p.Ala701Val (NM_001163940.2); short protein forms A701V, A735V.
Identifiers: ClinVar variation 1350039 (VCV001350039.6), dbSNP rs767910015, ClinGen allele CA7183175.